The following is an entry in ClinVar:

ClinVar aggregate classification (germline): Uncertain significance (1 of 4 stars; one submission).

Allele frequency attached by ClinVar (database versions not stated): TOPMed 0.00001.
gnomAD v4.1: 11 of 1,602,000 alleles (0.00069%); highest among the groups gnomAD compares: African/African-American, 0.0013%; no homozygotes.

Submission:

Labcorp Genetics (formerly Invitae), Labcorp
Classification: Uncertain significance. Last evaluated: 2021-10-12. Review status: criteria provided, single submitter. Criteria: Invitae Variant Classification Sherloc (09022015). Collection method: clinical testing. Allele origin: germline.
Comment: This variant is not present in population databases (ExAC no frequency). This sequence change falls in intron 16 of the CARMIL2 gene. It does not directly change the encoded amino acid sequence of the CARMIL2 protein. This variant has not been reported in the literature in individuals affected with CARMIL2-related conditions. In summary, the available evidence is currently insufficient to determine the role of this variant in disease. Therefore, it has been classified as a Variant of Uncertain Significance. Algorithms developed to predict the effect of sequence changes on RNA splicing suggest that this variant may disrupt the consensus splice site.

NM_001013838.3(CARMIL2):c.1510-5T>G

Gene: CARMIL2 (capping protein regulator and myosin 1 linker 2; plus strand). Cytogenetic location: 16q22.1.
Variant type: single nucleotide variant.
Coding change: c.1510-5T>G on transcript NM_001013838.3 (MANE Select); 5 bases into the intron before coding-DNA position 1510, T replaced by G.
Molecular consequence: intron variant.
Genome position (GRCh38, 1-based): chr16:67,648,888, T>G. VCF-style: chr16-67648888-T-G. GRCh37 (hg19) VCF-style: chr16-67682791-T-G.
Other names: c.1402-5T>G (NM_001317026.3).
Identifiers: ClinVar variation 1386422 (VCV001386422.6), dbSNP rs1375873724, ClinGen allele CA723063626.